The following is an entry in ClinVar:

NM_003718.5(CDK13):c.2205dup (p.Val736fs)

Gene: CDK13 (cyclin dependent kinase 13; plus strand). Cytogenetic location: 7p14.1.
Variant type: Duplication.
Coding change: c.2205dup on transcript NM_003718.5 (MANE Select); coding-DNA position 2205, one base duplicated (A; older notation c.2205dupA).
Protein change: p.Val736fs; shifts the reading frame from valine 736.
Molecular consequence: frameshift variant.
Genome position (GRCh38, 1-based): chr7:40,001,883, A duplicated; the last of 7 consecutive A bases (chr7:40,001,877-40,001,883); duplicating any one gives the same sequence. VCF-style (leftmost placement, unchanged base first): chr7-40001876-T-TA. GRCh37 (hg19) VCF-style: chr7-40041475-T-TA.
Other names: c.2205dup, p.Val736Serfs (NM_031267.4); short protein forms V736fs.
Identifiers: ClinVar variation 3902935 (VCV003902935.1).
Genomic context (GRCh38, chr7:40,001,876, plus strand): 5'-TGCTTTTGTTAACTGGTAACCTGATTTTATTAAATTCCTTAATAGGAGAAATGGTAGCCT[T>TA]AAAAAAAGTACGTCTGGATAATGAAAAGGAAGGCTTTCCAATTACAGCAATTCGAGAAAT-3'

ClinVar aggregate classification (germline): Uncertain significance (1 of 4 stars; one submission).

Submission:

GeneDx
Classification: Uncertain significance. Last evaluated: 2024-12-15. Review status: criteria provided, single submitter. Criteria: GeneDx Variant Classification Process June 2021. Collection method: clinical testing. Allele origin: germline. Affected: yes.
Comment: Not observed at significant frequency in large population cohorts (gnomAD); Frameshift variant predicted to result in protein truncation or nonsense mediated decay in a gene or region of a gene for which loss of function is not a well-established mechanism of disease; Has not been previously published as pathogenic or benign to our knowledge